The following is an entry in ClinVar:

ClinVar aggregate classification (germline): Uncertain significance (1 of 4 stars; one submission).

Conditions:
Cardiovascular phenotype. Identifiers: MedGen CN230736.

Allele frequency attached by ClinVar (database versions not stated): gnomAD exomes below 0.00001.
gnomAD v4.1: 1 of 1,614,200 alleles (0.000062%); highest among the groups gnomAD compares: Non-Finnish European, 0.000085%; no homozygotes.

Submission:

Ambry Genetics
Classification: Uncertain significance for Cardiovascular phenotype. Last evaluated: 2021-11-09. Review status: criteria provided, single submitter. Criteria: Ambry Variant Classification Scheme 2023. Collection method: clinical testing. Allele origin: germline.
Comment: The p.I212T variant (also known as c.635T>C), located in coding exon 5 of the TBX5 gene, results from a T to C substitution at nucleotide position 635. The isoleucine at codon 212 is replaced by threonine, an amino acid with similar properties. This amino acid position is conserved. In addition, this alteration is predicted to be deleterious by in silico analysis. Since supporting evidence is limited at this time, the clinical significance of this alteration remains unclear.

NM_181486.4(TBX5):c.635T>C (p.Ile212Thr)

Gene: TBX5 (T-box transcription factor 5; minus strand). Cytogenetic location: 12q24.21.
Variant type: single nucleotide variant.
Coding change: c.635T>C on transcript NM_181486.4 (MANE Select); coding-DNA position 635, T replaced by C.
Protein change: p.Ile212Thr; replaces isoleucine 212 with threonine.
Molecular consequence: missense variant.
Genome position (GRCh38, 1-based): chr12:114,394,769, A>G on the plus strand (T>C on the coding strand, the complement: TBX5 is on the minus strand). VCF-style: chr12-114394769-A-G. GRCh37 (hg19) VCF-style: chr12-114832574-A-G.
Other names: c.635T>C, p.Ile212Thr (NM_000192.3); c.485T>C, p.Ile162Thr (NM_080717.4); short protein forms I162T, I212T.
Identifiers: ClinVar variation 1753058 (VCV001753058.2), dbSNP rs2540466892, ClinGen allele CA386861342.